The following is an entry in ClinVar:

ClinVar aggregate classification (germline): Uncertain significance (1 of 4 stars; one submission).

Conditions:
Huntington disease-like 1 (HDL1). Also called: PRION DISEASE, EARLY-ONSET, WITH PROMINENT PSYCHIATRIC FEATURES; HUNTINGTON-LIKE NEURODEGENERATIVE DISORDER 1; HUNTINGTON-LIKE NEURODEGENERATIVE DISORDER, AUTOSOMAL DOMINANT. Identifiers: Orphanet 157941, MedGen C1864112, MONDO:0011299, OMIM 603218.

Allele frequency attached by ClinVar (database versions not stated): gnomAD exomes below 0.00001; ExAC 0.00002.

Submission:

Labcorp Genetics (formerly Invitae), Labcorp
Classification: Uncertain significance for Huntington disease-like 1. Last evaluated: 2022-01-13. Review status: criteria provided, single submitter. Criteria: Invitae Variant Classification Sherloc (09022015). Collection method: clinical testing. Allele origin: germline.
Comment: This variant has not been reported in the literature in individuals affected with PRNP-related conditions. This variant is present in population databases (rs755417301, gnomAD 0.01%). This sequence change replaces arginine, which is basic and polar, with cysteine, which is neutral and slightly polar, at codon 151 of the PRNP protein (p.Arg151Cys). Algorithms developed to predict the effect of missense changes on protein structure and function are either unavailable or do not agree on the potential impact of this missense change (SIFT: "Deleterious"; PolyPhen-2: "Benign"; Align-GVGD: "Class C0"). In summary, the available evidence is currently insufficient to determine the role of this variant in disease. Therefore, it has been classified as a Variant of Uncertain Significance.

NM_000311.5(PRNP):c.451C>T (p.Arg151Cys)

Gene: PRNP (prion protein (Kanno blood group); plus strand). Cytogenetic location: 20p13.
Variant type: single nucleotide variant.
Coding change: c.451C>T on transcript NM_000311.5 (MANE Select); coding-DNA position 451, C replaced by T.
Protein change: p.Arg151Cys; replaces arginine 151 with cysteine.
Molecular consequence: missense variant. On other transcripts: 3 prime UTR variant (1).
Genome position (GRCh38, 1-based): chr20:4,699,671, C>T. VCF-style: chr20-4699671-C-T. GRCh37 (hg19) VCF-style: chr20-4680317-C-T.
Other names: c.451C>T, p.Arg151Cys (NM_001080121.3, NM_001080122.3, NM_001080123.3 and 1 more transcripts); c.*140C>T (NM_001271561.3); short protein forms R151C.
Identifiers: ClinVar variation 2153666 (VCV002153666.4), dbSNP rs755417301, ClinGen allele CA9752078.